The following is an entry in ClinVar:

NM_006929.5(SKIC2):c.2564C>A (p.Ala855Glu)

Gene: SKIC2 (SKI2 subunit of superkiller complex; plus strand). Cytogenetic location: 6p21.33.
Variant type: single nucleotide variant.
Coding change: c.2564C>A on transcript NM_006929.5 (MANE Select); coding-DNA position 2564, C replaced by A.
Protein change: p.Ala855Glu; replaces alanine 855 with glutamic acid.
Molecular consequence: missense variant.
Genome position (GRCh38, 1-based): chr6:31,967,358, C>A. VCF-style: chr6-31967358-C-A. GRCh37 (hg19) VCF-style: chr6-31935135-C-A.
Other names: short protein forms A855E.
Identifiers: ClinVar variation 1487441 (VCV001487441.4), dbSNP rs561701823, ClinGen allele CA3729807.

ClinVar aggregate classification (germline): Uncertain significance (1 of 4 stars; one submission).

Allele frequency attached by ClinVar (database versions not stated): gnomAD exomes 0.00002 and 0.00008; ExAC 0.00003; 1000 Genomes Project 0.00020; gnomAD 0.00035 and 0.00037; TOPMed 0.00040; 1000 Genomes Project 30x 0.00047.
gnomAD v4.1: 93 of 1,611,594 alleles (0.0058%); highest among the groups gnomAD compares: African/African-American, 0.093%; no homozygotes.

Submission:

Labcorp Genetics (formerly Invitae), Labcorp
Classification: Uncertain significance. Last evaluated: 2025-02-03. Review status: criteria provided, single submitter. Criteria: Invitae Variant Classification Sherloc (09022015). Collection method: clinical testing. Allele origin: germline.
Comment: This sequence change replaces alanine, which is neutral and non-polar, with glutamic acid, which is acidic and polar, at codon 855 of the SKIV2L protein (p.Ala855Glu). This variant is present in population databases (rs561701823, gnomAD 0.09%). This variant has not been reported in the literature in individuals affected with SKIV2L-related conditions. ClinVar contains an entry for this variant (Variation ID: 1487441). An algorithm developed to predict the effect of missense changes on protein structure and function (PolyPhen-2) suggests that this variant¬†is likely to be tolerated. In summary, the available evidence is currently insufficient to determine the role of this variant in disease. Therefore, it has been classified as a Variant of Uncertain Significance.